The following is an entry in ClinVar:

NM_000548.5(TSC2):c.3493A>G (p.Lys1165Glu)

Gene: TSC2 (TSC complex subunit 2; plus strand). Cytogenetic location: 16p13.3.
Variant type: single nucleotide variant.
Coding change: c.3493A>G on transcript NM_000548.5 (MANE Select); coding-DNA position 3493, A replaced by G.
Protein change: p.Lys1165Glu; replaces lysine 1165 with glutamic acid.
Molecular consequence: missense variant.
Genome position (GRCh38, 1-based): chr16:2,080,260, A>G. VCF-style: chr16-2080260-A-G. GRCh37 (hg19) VCF-style: chr16-2130261-A-G.
Other names: c.3361A>G, p.Lys1121Glu (NM_001077183.3, NM_001370404.1); c.3493A>G, p.Lys1165Glu (NM_001114382.3); c.3253A>G, p.Lys1085Glu (NM_001318827.2); c.3217A>G, p.Lys1073Glu (NM_001318829.2); c.2761A>G, p.Lys921Glu (NM_001318831.2); c.3394A>G, p.Lys1132Glu (NM_001318832.2); c.3364A>G, p.Lys1122Glu (NM_001363528.2, NM_001370405.1, NM_021055.3); short protein forms K1085E, K1121E, K1165E, K1073E, K1122E, K1132E, K921E.
Identifiers: ClinVar variation 823839 (VCV000823839.17), dbSNP rs375444767, ClinGen allele CA047198.

ClinVar aggregate classification (germline): Conflicting classifications of pathogenicity. Review status: criteria provided, conflicting classifications (1 of 4 stars). 3 submissions from 3 submitters: Uncertain significance (2); Benign (1). Last evaluated 2025-08-20.

Conditions:
Tuberous sclerosis 2 (TSC2). Identifiers: Orphanet 805, MedGen C1860707, MONDO:0013199, OMIM 613254.
Hereditary cancer-predisposing syndrome. Also called: Neoplastic Syndromes, Hereditary; Hereditary Cancer Syndrome; Hereditary neoplastic syndrome; Tumor predisposition. Identifiers: Orphanet 140162, MedGen C0027672, MeSH D009386, MONDO:0015356.

Allele frequency attached by ClinVar (database versions not stated): gnomAD exomes below 0.00001; ExAC 0.00001; ESP Exome Variant Server 0.00008.

Submissions (3):

Ambry Genetics
Classification: Uncertain significance for Hereditary cancer-predisposing syndrome. Last evaluated: 2025-08-20. Review status: criteria provided, single submitter. Criteria: Ambry Variant Classification Scheme 2023. Collection method: clinical testing. Allele origin: germline.
Comment: The p.K1165E variant (also known as c.3493A>G), located in coding exon 29 of the TSC2 gene, results from an A to G substitution at nucleotide position 3493. The lysine at codon 1165 is replaced by glutamic acid, an amino acid with similar properties. This amino acid position is not well conserved in available vertebrate species. In addition, the in silico prediction for this alteration is inconclusive. Since supporting evidence is limited at this time, the clinical significance of this alteration remains unclear.

Labcorp Genetics (formerly Invitae), Labcorp
Classification: Benign for Tuberous sclerosis 2. Last evaluated: 2025-08-13. Review status: criteria provided, single submitter. Criteria: Invitae Variant Classification Sherloc (09022015). Collection method: clinical testing. Allele origin: germline.

Genome-Nilou Lab
Classification: Uncertain significance for Tuberous sclerosis 2. Last evaluated: 2021-11-07. Review status: criteria provided, single submitter. Criteria: ACMG Guidelines, 2015. Collection method: clinical testing. Allele origin: germline. Affected: no.